The following is an entry in ClinVar:

NM_001134831.2(AHI1):c.2609G>A (p.Trp870Ter)

Gene: AHI1 (Abelson helper integration site 1; minus strand). Cytogenetic location: 6q23.3.
Variant type: single nucleotide variant.
Coding change: c.2609G>A on transcript NM_001134831.2 (MANE Select); coding-DNA position 2609, G replaced by A.
Protein change: p.Trp870Ter; replaces tryptophan 870 with a stop codon.
Molecular consequence: nonsense.
Genome position (GRCh38, 1-based): chr6:135,428,643, C>T on the plus strand (G>A on the coding strand, the complement: AHI1 is on the minus strand). VCF-style: chr6-135428643-C-T. GRCh37 (hg19) VCF-style: chr6-135749781-C-T.
Other names: c.2609G>A, p.Trp870Ter (NM_001134830.2, NM_001134832.2, NM_001350503.2 and 2 more transcripts); short protein forms W870*.
Identifiers: ClinVar variation 393224 (VCV000393224.3), dbSNP rs1057524843, ClinGen allele CA16604857.
Genomic context (GRCh38, chr6:135,428,643, plus strand): 5'-CCCCTGTACCTCCCCAAATGATTTTTAAAGTTCAATAAACATTCACCTGTTTCTGGGTTC[C>T]AAACATACACTATACCATCCTCACTTCCAGCAAACAGAAAAGTCCCACATGGAGTCAAAG-3'

ClinVar aggregate classification (germline): Pathogenic (1 of 4 stars; one submission).

Submission:

GeneDx
Classification: Pathogenic. Last evaluated: 2019-04-16. Review status: criteria provided, single submitter. Criteria: GeneDx Variant Classification Process June 2021. Collection method: clinical testing. Allele origin: germline. Affected: yes.
Comment: Nonsense variant predicted to result in protein truncation [or nonsense mediated decay] in a gene for which loss-of-function is a known mechanism of disease; Not observed in large population cohorts (Lek et al., 2016); Has not been previously published as pathogenic or benign to our knowledge